The following is an entry in ClinVar:

NM_004370.6(COL12A1):c.1093A>C (p.Lys365Gln)

Gene: COL12A1 (collagen type XII alpha 1 chain; minus strand). Cytogenetic location: 6q13.
Variant type: single nucleotide variant.
Coding change: c.1093A>C on transcript NM_004370.6 (MANE Select); coding-DNA position 1093, A replaced by C.
Protein change: p.Lys365Gln; replaces lysine 365 with glutamine.
Molecular consequence: missense variant. On other transcripts: intron variant (1).
Genome position (GRCh38, 1-based): chr6:75,184,049, T>G on the plus strand (A>C on the coding strand, the complement: COL12A1 is on the minus strand). VCF-style: chr6-75184049-T-G. GRCh37 (hg19) VCF-style: chr6-75893765-T-G.
Other names: c.1093A>C (NM_004370.5); c.73+18671A>C (NM_080645.3); short protein forms K365Q.
Identifiers: ClinVar variation 2440219 (VCV002440219.4), dbSNP rs2533573196, ClinGen allele CA364773689.
Genomic context (GRCh38, chr6:75,184,049, plus strand): 5'-GAGGCCCCACACTCAGAGCGTGCTGTCGGCTTCCTGCAGTCATTGGTGTGAGGATGACTT[T>G]GTAGCCAGTCACTGGACTAGGAGATGGATTCCAATTTAGCTTAACATATTTTGAAGAGAC-3'
Protein context (NP_004361.3, residues 355-375): NPSPSPVTGY[Lys365Gln]VILTPMTAGS

ClinVar aggregate classification (germline): Uncertain significance. Review status: criteria provided, multiple submitters, no conflicts (2 of 4 stars). 2 submissions from 2 submitters: Uncertain significance (2). Last evaluated 2023-10-02.

Submissions (2):

GeneDx
Classification: Uncertain significance. Last evaluated: 2023-10-02. Review status: criteria provided, single submitter. Criteria: GeneDx Variant Classification Process June 2021. Collection method: clinical testing. Allele origin: germline. Affected: yes.
Comment: Not observed at significant frequency in large population cohorts (gnomAD); In silico analysis supports that this missense variant does not alter protein structure/function; Has not been previously published as pathogenic or benign to our knowledge

Revvity Omics, Revvity
Classification: Uncertain significance. Last evaluated: 2022-02-06. Review status: criteria provided, single submitter. Criteria: ACMG Guidelines, 2015. Collection method: clinical testing. Allele origin: germline.